The following is an entry in ClinVar:

ClinVar aggregate classification (germline): Uncertain significance (1 of 4 stars; one submission).

gnomAD v4.1: 2 of 1,614,142 alleles (0.00012%); highest among the groups gnomAD compares: Admixed American, 0.0017%; no homozygotes.

Submission:

Labcorp Genetics (formerly Invitae), Labcorp
Classification: Uncertain significance. Last evaluated: 2026-01-27. Review status: criteria provided, single submitter. Criteria: Invitae Variant Classification Sherloc (09022015). Collection method: clinical testing. Allele origin: germline.
Comment: This sequence change replaces aspartic acid, which is acidic and polar, with histidine, which is basic and polar, at codon 1156 of the ERBB4 protein (p.Asp1156His). This variant is present in population databases (no rsID available, gnomAD 0.003%). This variant has not been reported in the literature in individuals affected with ERBB4-related conditions. An algorithm developed to predict the effect of missense changes on protein structure and function (PolyPhen-2) suggests that this variant is likely to be disruptive. In summary, the available evidence is currently insufficient to determine the role of this variant in disease. Therefore, it has been classified as a Variant of Uncertain Significance.

NM_005235.3(ERBB4):c.3466G>C (p.Asp1156His)

Gene: ERBB4 (erb-b2 receptor tyrosine kinase 4; minus strand). Cytogenetic location: 2q34.
Variant type: single nucleotide variant.
Coding change: c.3466G>C on transcript NM_005235.3 (MANE Select); coding-DNA position 3466, G replaced by C.
Protein change: p.Asp1156His; replaces aspartic acid 1156 with histidine.
Molecular consequence: missense variant.
Genome position (GRCh38, 1-based): chr2:211,386,868, C>G on the plus strand (G>C on the coding strand, the complement: ERBB4 is on the minus strand). VCF-style: chr2-211386868-C-G. GRCh37 (hg19) VCF-style: chr2-212251593-C-G.
Other names: c.3418G>C, p.Asp1140His (NM_001042599.2); c.3436G>C, p.Asp1146His (NM_001439005.1); c.3388G>C, p.Asp1130His (NM_001439006.1); short protein forms D1140H, D1146H, D1130H, D1156H.
Identifiers: ClinVar variation 4736288 (VCV004736288.1).